The following is an entry in ClinVar:

ClinVar aggregate classification (germline): Uncertain significance (1 of 4 stars; one submission).

Conditions:
Familial sleep-related hypermotor epilepsy. Also called: Autosomal Dominant Sleep-Related Hypermotor (Hyperkinetic) Epilepsy. Identifiers: Orphanet 98784, MedGen C3696898, MONDO:0000030.

Submission:

Labcorp Genetics (formerly Invitae), Labcorp
Classification: Uncertain significance. Last evaluated: 2022-06-13. Review status: criteria provided, single submitter. Criteria: Invitae Variant Classification Sherloc (09022015). Collection method: clinical testing. Allele origin: germline.
Comment: This variant has not been reported in the literature in individuals affected with CHRNB2-related conditions. This variant is not present in population databases (gnomAD no frequency). This sequence change creates a premature translational stop signal (p.Val8Trpfs*49) in the CHRNB2 gene. It is expected to result in an absent or disrupted protein product. However, the current clinical and genetic evidence is not sufficient to establish whether loss-of-function variants in CHRNB2 cause disease. In summary, the available evidence is currently insufficient to determine the role of this variant in disease. Therefore, it has been classified as a Variant of Uncertain Significance.

NM_000748.3(CHRNB2):c.21del (p.Val8fs)

Genes: CHRNB2 (cholinergic receptor nicotinic beta 2 subunit; plus strand), LOC129931511 (ATAC-STARR-seq lymphoblastoid silent region 1363; plus strand). Cytogenetic location: 1q21.3.
Variant type: Deletion.
Coding change: c.21del on transcript NM_000748.3 (MANE Select); coding-DNA position 21, one base deleted (C; older notation c.21delC).
Protein change: p.Val8fs; shifts the reading frame from valine 8.
Molecular consequence: frameshift variant.
Genome position (GRCh38, 1-based): chr1:154,568,065, C deleted; the last of 4 consecutive C bases (chr1:154,568,062-154,568,065); deleting any one gives the same sequence. VCF-style (leftmost placement, unchanged base first): chr1-154568061-GC-G. GRCh37 (hg19) VCF-style: chr1-154540537-GC-G.
Other names: short protein forms V8fs.
Identifiers: ClinVar variation 1392121 (VCV001392121.6), dbSNP rs2149365744, ClinGen allele CA2573131091.